The following is an entry in ClinVar:

NM_018418.5(SPATA7):c.386C>T (p.Pro129Leu)

Gene: SPATA7 (spermatogenesis associated 7; plus strand). Cytogenetic location: 14q31.3.
Variant type: single nucleotide variant.
Coding change: c.386C>T on transcript NM_018418.5 (MANE Select); coding-DNA position 386, C replaced by T.
Protein change: p.Pro129Leu; replaces proline 129 with leucine.
Molecular consequence: missense variant.
Genome position (GRCh38, 1-based): chr14:88,426,245, C>T. VCF-style: chr14-88426245-C-T. GRCh37 (hg19) VCF-style: chr14-88892589-C-T.
Other names: c.290C>T, p.Pro97Leu (NM_001040428.4); short protein forms P129L, P97L.
Identifiers: ClinVar variation 962820 (VCV000962820.8), dbSNP rs374126653, ClinGen allele CA7298528.

ClinVar aggregate classification (germline): Conflicting classifications of pathogenicity. Review status: criteria provided, conflicting classifications (1 of 4 stars). 3 submissions from 3 submitters: Uncertain significance (2); Likely benign (1). Last evaluated 2024-09-20.

Conditions:
Leber congenital amaurosis 3 (LCA3). Also called: SPATA7-Related Retinitis Pigmentosa. Identifiers: MedGen C1858677, MONDO:0011415, OMIM 604232.

Allele frequency attached by ClinVar (database versions not stated): gnomAD 0.00004 and 0.00005; ExAC 0.00006; gnomAD exomes 0.00006; ESP Exome Variant Server 0.00008; TOPMed 0.00009; 1000 Genomes Project 30x 0.00016; 1000 Genomes Project 0.00020.
gnomAD v4.1: 63 of 1,613,438 alleles (0.0039%); highest among the groups gnomAD compares: South Asian, 0.027%; no homozygotes.

Submissions (3):

3billion
Classification: Likely benign for Leber congenital amaurosis 3. Last evaluated: 2024-09-20. Review status: criteria provided, single submitter. Criteria: ACMG Guidelines, 2015. Collection method: clinical testing. Allele origin: germline. Affected: no.
Comment: The homozygous variant was found in patients diagnosed with another variant in a different gene, with no symptoms related to the gene containing the homozygous variant.

Labcorp Genetics (formerly Invitae), Labcorp
Classification: Uncertain significance for Leber congenital amaurosis 3. Last evaluated: 2022-10-13. Review status: criteria provided, single submitter. Criteria: Invitae Variant Classification Sherloc (09022015). Collection method: clinical testing. Allele origin: germline.
Comment: ClinVar contains an entry for this variant (Variation ID: 962820). In summary, the available evidence is currently insufficient to determine the role of this variant in disease. Therefore, it has been classified as a Variant of Uncertain Significance. Advanced modeling of protein sequence and biophysical properties (such as structural, functional, and spatial information, amino acid conservation, physicochemical variation, residue mobility, and thermodynamic stability) performed at Invitae indicates that this missense variant is not expected to disrupt SPATA7 protein function. This variant has not been reported in the literature in individuals affected with SPATA7-related conditions. This variant is present in population databases (rs374126653, gnomAD 0.02%). This sequence change replaces proline, which is neutral and non-polar, with leucine, which is neutral and non-polar, at codon 129 of the SPATA7 protein (p.Pro129Leu).

GeneDx
Classification: Uncertain significance. Last evaluated: 2019-01-31. Review status: criteria provided, single submitter. Criteria: GeneDx Variant Classification Process June 2021. Collection method: clinical testing. Allele origin: germline. Affected: yes.
Comment: In silico analysis, which includes protein predictors and evolutionary conservation, supports a deleterious effect; Has not been previously published as pathogenic or benign to our knowledge